The following is an entry in ClinVar:

ClinVar aggregate classification (germline): Pathogenic (1 of 4 stars; one submission).

Conditions:
Polycystic kidney disease, adult type (PKD1). Also called: Polycystic Kidney, Autosomal Dominant; POLYCYSTIC KIDNEY DISEASE, ADULT, TYPE I; Polycystic Kidney Disease 1, Autosomal Dominant; Polycystic kidney disease 1; Polycystic kidney disease 1, severe; POLYCYSTIC KIDNEY DISEASE 1 WITH OR WITHOUT POLYCYSTIC LIVER DISEASE. Identifiers: MedGen C3149841, MONDO:0008263, OMIM 173900.

Submission:

Victorian Clinical Genetics Services, Murdoch Childrens Research Institute
Classification: Pathogenic for Polycystic kidney disease, adult type. Last evaluated: 2025-10-23. Review status: criteria provided, single submitter. Criteria: ACMG Guidelines, 2015. Collection method: clinical testing. Allele origin: germline. Affected: yes.
Comment: This variant is classified as Pathogenic. Evidence in support of pathogenic classification: Variant is predicted to cause nonsense-mediated decay (NMD) and loss of protein (premature termination codon is located at least 54 nucleotides upstream of the final exon-exon junction); Variant is absent from gnomAD (v2, v3 and v4); Other NMD-predicted variant(s) comparable to the one identified in this case have very strong previous evidence for pathogenicity (DECIPHER). Additional information: This variant is heterozygous; This gene is associated with autosomal dominant disease. Polycystic kidney disease 1 (MIM#173900) is predominantly caused by monoallelic variants, with rare reports of biallelic variants causing disease (OMIM); Loss of function is a known mechanism of disease in this gene and is associated with polycystic kidney disease 1 (MIM#173900); Inheritance information for this variant is not currently available in this individual.

NM_001009944.3(PKD1):c.1768del (p.Thr590fs)

Gene: PKD1 (polycystin 1, transient receptor potential channel interacting; minus strand). Cytogenetic location: 16p13.3.
Variant type: Deletion.
Coding change: c.1768del on transcript NM_001009944.3 (MANE Select); coding-DNA position 1768, one base deleted (A; older notation c.1768delA).
Protein change: p.Thr590fs; shifts the reading frame from threonine 590.
Molecular consequence: frameshift variant.
Genome position (GRCh38, 1-based): chr16:2,116,073, T deleted on the plus strand (A on the coding strand, the reverse complement: PKD1 is on the minus strand). VCF-style (leftmost placement, unchanged base first): chr16-2116072-GT-G. GRCh37 (hg19) VCF-style: chr16-2166073-GT-G.
Other names: c.1768del, p.Thr590fs (NM_000296.4); short protein forms T590fs.
Identifiers: ClinVar variation 4531585 (VCV004531585.1).